The following is an entry in ClinVar:

ClinVar aggregate classification (germline): Uncertain significance (0 of 4 stars; one submission).

Conditions:
EIF2AK4-related disorder. Also called: EIF2AK4-related condition.

gnomAD v4.1: 1 of 1,599,580 alleles (0.000063%); no homozygotes.

Submission:

PreventionGenetics, part of Exact Sciences
Classification: Uncertain significance for EIF2AK4-related condition. Last evaluated: 2024-09-22. Review status: no assertion criteria provided. Collection method: clinical testing. Allele origin: germline.
Comment: The EIF2AK4 c.3673A>G variant is predicted to result in the amino acid substitution p.Ile1225Val. To our knowledge, this variant has not been reported in the literature or in a large population database, indicating this variant is rare. At this time, the clinical significance of this variant is uncertain due to the absence of conclusive functional and genetic evidence.

NM_001013703.4(EIF2AK4):c.3673A>G (p.Ile1225Val)

Gene: EIF2AK4 (eukaryotic translation initiation factor 2 alpha kinase 4; plus strand). Cytogenetic location: 15q15.1.
Variant type: single nucleotide variant.
Coding change: c.3673A>G on transcript NM_001013703.4 (MANE Select); coding-DNA position 3673, A replaced by G.
Protein change: p.Ile1225Val; replaces isoleucine 1225 with valine.
Molecular consequence: missense variant.
Genome position (GRCh38, 1-based): chr15:40,009,710, A>G. VCF-style: chr15-40009710-A-G. GRCh37 (hg19) VCF-style: chr15-40301911-A-G.
Other names: short protein forms I1225V.
Identifiers: ClinVar variation 3357539 (VCV003357539.1).